The following is an entry in ClinVar:

NM_000548.5(TSC2):c.2356-176G>T

Gene: TSC2 (TSC complex subunit 2; plus strand). Cytogenetic location: 16p13.3.
Variant type: single nucleotide variant.
Coding change: c.2356-176G>T on transcript NM_000548.5 (MANE Select); 176 bases into the intron before coding-DNA position 2356, G replaced by T.
Molecular consequence: intron variant.
Genome position (GRCh38, 1-based): chr16:2,074,024, G>T. VCF-style: chr16-2074024-G-T. GRCh37 (hg19) VCF-style: chr16-2124025-G-T.
Other names: c.2356-176G>T (NM_001114382.3, NM_021055.3, NM_001370405.1 and 3 more transcripts); c.2245-176G>T (NM_001318827.2); c.1756-176G>T (NM_001318831.2); c.2209-176G>T (NM_001318829.2); c.2389-176G>T (NM_001318832.2).
Identifiers: ClinVar variation 677528 (VCV000677528.1), dbSNP rs116444190, ClinGen allele CA276740618.

ClinVar aggregate classification (germline): Likely benign (1 of 4 stars; one submission).

Allele frequency attached by ClinVar (database versions not stated): 1000 Genomes Project 30x 0.00718; 1000 Genomes Project 0.00779; gnomAD 0.00809 and 0.00881; TOPMed 0.00903.
gnomAD v4.1: 1,216 of 152,396 alleles (0.8%); highest among the groups gnomAD compares: African/African-American, 2.8%; 12 homozygotes.

Submission:

GeneDx
Classification: Likely benign. Last evaluated: 2018-06-14. Review status: criteria provided, single submitter. Criteria: GeneDx Variant Classification (06012015). Collection method: clinical testing. Allele origin: germline. Affected: yes.
Comment: This variant is considered likely benign or benign based on one or more of the following criteria: it is a conservative change, it occurs at a poorly conserved position in the protein, it is predicted to be benign by multiple in silico algorithms, and/or has population frequency not consistent with disease.